The following is an entry in ClinVar:

NM_000532.5(PCCB):c.611C>T (p.Ala204Val)

Gene: PCCB (propionyl-CoA carboxylase subunit beta; plus strand). Cytogenetic location: 3q22.3.
Variant type: single nucleotide variant.
Coding change: c.611C>T on transcript NM_000532.5 (MANE Select); coding-DNA position 611, C replaced by T.
Protein change: p.Ala204Val; replaces alanine 204 with valine.
Molecular consequence: missense variant.
Genome position (GRCh38, 1-based): chr3:136,283,904, C>T. VCF-style: chr3-136283904-C-T. GRCh37 (hg19) VCF-style: chr3-136002746-C-T.
Other names: c.671C>T, p.Ala224Val (NM_001178014.2); short protein forms A204V, A224V.
Identifiers: ClinVar variation 203889 (VCV000203889.6), dbSNP rs760499581, ClinGen allele CA312833.

ClinVar aggregate classification (germline): Conflicting classifications of pathogenicity. Review status: criteria provided, conflicting classifications (1 of 4 stars). 3 submissions from 3 submitters: Likely pathogenic (1); Uncertain significance (1). 1 of the submissions does not count toward it. Last evaluated 2024-10-15.

Conditions:
Propionic acidemia (PROP). Also called: GLYCINEMIA, KETOTIC; HYPERGLYCINEMIA WITH KETOACIDOSIS AND LEUKOPENIA; KETOTIC HYPERGLYCINEMIA. Identifiers: Orphanet 35, MedGen C0268579, MONDO:0011628, OMIM 606054, HP:0003571.

Allele frequency attached by ClinVar (database versions not stated): TOPMed below 0.00001; ExAC 0.00002.
gnomAD v4.1: 15 of 1,613,262 alleles (0.00093%); highest among the groups gnomAD compares: Admixed American, 0.0067%; no homozygotes.

Submissions (3):

Labcorp Genetics (formerly Invitae), Labcorp
Classification: Likely pathogenic for Propionic acidemia. Last evaluated: 2024-10-15. Review status: criteria provided, single submitter. Criteria: Invitae Variant Classification Sherloc (09022015). Collection method: clinical testing. Allele origin: germline.
Comment: This sequence change replaces alanine, which is neutral and non-polar, with valine, which is neutral and non-polar, at codon 204 of the PCCB protein (p.Ala204Val). This variant is present in population databases (rs760499581, gnomAD 0.009%). This missense change has been observed in individual(s) with propionic acidemia (PMID: 28853722). ClinVar contains an entry for this variant (Variation ID: 203889). Invitae Evidence Modeling of protein sequence and biophysical properties (such as structural, functional, and spatial information, amino acid conservation, physicochemical variation, residue mobility, and thermodynamic stability) indicates that this missense variant is expected to disrupt PCCB protein function with a positive predictive value of 95%. In summary, the currently available evidence indicates that the variant is pathogenic, but additional data are needed to prove that conclusively. Therefore, this variant has been classified as Likely Pathogenic.

Mendelics
Classification: Uncertain significance for Propionic acidemia. Last evaluated: 2019-05-28. Review status: criteria provided, single submitter. Criteria: Mendelics Assertion Criteria 2017. Collection method: clinical testing. Allele origin: unknown.

Counsyl
Classification: Uncertain significance for Propionic acidemia. Last evaluated: 2017-12-27. Review status: no assertion criteria provided. Collection method: clinical testing. Allele origin: unknown. Not counted in ClinVar's aggregate classification.

Literature cited by the submitters: PubMed 28853722 (cited by Labcorp Genetics (formerly Invitae), Labcorp and Counsyl).